The following is an entry in ClinVar:

ClinVar aggregate classification (germline): Uncertain significance (1 of 4 stars; one submission).

gnomAD v4.1: 1 of 1,613,854 alleles (0.000062%); highest among the groups gnomAD compares: Non-Finnish European, 0.000085%; no homozygotes.

Submission:

Labcorp Genetics (formerly Invitae), Labcorp
Classification: Uncertain significance. Last evaluated: 2025-10-02. Review status: criteria provided, single submitter. Criteria: Invitae Variant Classification Sherloc (09022015). Collection method: clinical testing. Allele origin: germline.
Comment: This sequence change replaces histidine, which is basic and polar, with tyrosine, which is neutral and polar, at codon 459 of the HDAC4 protein (p.His459Tyr). This variant is not present in population databases (gnomAD no frequency). This variant has not been reported in the literature in individuals affected with HDAC4-related conditions. Invitae Evidence Modeling of protein sequence and biophysical properties (such as structural, functional, and spatial information, amino acid conservation, physicochemical variation, residue mobility, and thermodynamic stability) indicates that this missense variant is expected to disrupt HDAC4 protein function with a positive predictive value of 80%. In summary, the available evidence is currently insufficient to determine the role of this variant in disease. Therefore, it has been classified as a Variant of Uncertain Significance.

NM_001378414.1(HDAC4):c.1390C>T (p.His464Tyr)

Gene: HDAC4 (histone deacetylase 4; minus strand). Cytogenetic location: 2q37.3.
Variant type: single nucleotide variant.
Coding change: c.1390C>T on transcript NM_001378414.1 (MANE Select); coding-DNA position 1390, C replaced by T.
Protein change: p.His464Tyr; replaces histidine 464 with tyrosine.
Molecular consequence: missense variant.
Genome position (GRCh38, 1-based): chr2:239,126,599, G>A on the plus strand (C>T on the coding strand, the complement: HDAC4 is on the minus strand). VCF-style: chr2-239126599-G-A. GRCh37 (hg19) VCF-style: chr2-240048295-G-A.
Other names: c.1390C>T, p.His464Tyr (NM_001378415.1); c.1375C>T, p.His459Tyr (NM_001378416.1, NM_001378417.1, NM_001435996.1 and 1 more transcripts); c.1309C>T, p.His437Tyr (NM_001435991.1, NM_001435992.1, NM_001435994.1); c.1231C>T, p.His411Tyr (NM_001435993.1); c.1294C>T, p.His432Tyr (NM_001435998.1); short protein forms H411Y, H432Y, H459Y, H464Y, H437Y.
Identifiers: ClinVar variation 4740527 (VCV004740527.1).
Genomic context (GRCh38, chr2:239,126,599, plus strand): 5'-GCTGCAGAGCCTGGGCGTTCTGGGGCAGCGGGGCCGACTGGGTCCGCCCCAGTGGGCGGT[G>A]CTGCCGCAGCTTGTGGATGGAGGGGGACACCCGGTCTGCACCAACCAAGGACTGTGCGTG-3'
Protein context (NP_001365343.1, residues 454-474): VSPSIHKLRQ[His464Tyr]RPLGRTQSAP